The following is an entry in ClinVar:

ClinVar aggregate classification (germline): Uncertain significance. Review status: criteria provided, multiple submitters, no conflicts (2 of 4 stars). 2 submissions from 2 submitters: Uncertain significance (2). Last evaluated 2025-08-25.

Conditions:
Inborn genetic diseases. Identifiers: MedGen C0950123, MeSH D030342.
Baller-Gerold syndrome (BGS). Also called: CRANIOSYNOSTOSIS WITH RADIAL DEFECTS. Identifiers: Orphanet 1225, MedGen C0265308, MONDO:0009039, OMIM 218600.

Allele frequency attached by ClinVar (database versions not stated): gnomAD exomes below 0.00001; gnomAD 0.00001; TOPMed 0.00001.
gnomAD v4.1: 7 of 1,612,272 alleles (0.00043%); highest among the groups gnomAD compares: Middle Eastern, 0.033%; no homozygotes.

Submissions (2):

Labcorp Genetics (formerly Invitae), Labcorp
Classification: Uncertain significance for Baller-Gerold syndrome. Last evaluated: 2025-08-25. Review status: criteria provided, single submitter. Criteria: Invitae Variant Classification Sherloc (09022015). Collection method: clinical testing. Allele origin: germline.
Comment: This sequence change replaces methionine, which is neutral and non-polar, with valine, which is neutral and non-polar, at codon 557 of the RECQL4 protein (p.Met557Val). This variant is present in population databases (no rsID available, gnomAD 0.003%). This variant has not been reported in the literature in individuals affected with RECQL4-related conditions. ClinVar contains an entry for this variant (Variation ID: 953336). Invitae Evidence Modeling of protein sequence and biophysical properties (such as structural, functional, and spatial information, amino acid conservation, physicochemical variation, residue mobility, and thermodynamic stability) indicates that this missense variant is expected to disrupt RECQL4 protein function with a positive predictive value of 80%. In summary, the available evidence is currently insufficient to determine the role of this variant in disease. Therefore, it has been classified as a Variant of Uncertain Significance.

Ambry Genetics
Classification: Uncertain significance for Inborn genetic diseases. Last evaluated: 2025-03-31. Review status: criteria provided, single submitter. Criteria: Ambry Variant Classification Scheme 2023. Collection method: clinical testing. Allele origin: germline.

NM_004260.4(RECQL4):c.1669A>G (p.Met557Val)

Gene: RECQL4 (RecQ like helicase 4; minus strand). Cytogenetic location: 8q24.3.
Variant type: single nucleotide variant.
Coding change: c.1669A>G on transcript NM_004260.4 (MANE Select); coding-DNA position 1669, A replaced by G.
Protein change: p.Met557Val; replaces methionine 557 with valine.
Molecular consequence: missense variant.
Genome position (GRCh38, 1-based): chr8:144,514,477, T>C on the plus strand (A>G on the coding strand, the complement: RECQL4 is on the minus strand). VCF-style: chr8-144514477-T-C. GRCh37 (hg19) VCF-style: chr8-145739861-T-C.
Other names: short protein forms M557V.
Identifiers: ClinVar variation 953336 (VCV000953336.7), dbSNP rs1270237157, ClinGen allele CA372681698.